The following is an entry in ClinVar:

NM_001367624.2(ZNF469):c.8795C>A (p.Ala2932Glu)

Gene: ZNF469 (zinc finger protein 469; plus strand). Cytogenetic location: 16q24.2.
Variant type: single nucleotide variant.
Coding change: c.8795C>A on transcript NM_001367624.2 (MANE Select); coding-DNA position 8795, C replaced by A.
Protein change: p.Ala2932Glu; replaces alanine 2932 with glutamic acid.
Molecular consequence: missense variant.
Genome position (GRCh38, 1-based): chr16:88,436,265, C>A. VCF-style: chr16-88436265-C-A. GRCh37 (hg19) VCF-style: chr16-88502673-C-A.
Other names: NM_001127464.1:c.8711C>A; short protein forms A2932E.
Identifiers: ClinVar variation 1764417 (VCV001764417.3), dbSNP rs776046885, ClinGen allele CA8225374.

ClinVar aggregate classification (germline): Uncertain significance (1 of 4 stars; one submission).

Conditions:
Cardiovascular phenotype. Identifiers: MedGen CN230736.

Allele frequency attached by ClinVar (database versions not stated): gnomAD 0.00002; TOPMed 0.00003; ExAC 0.00007.
gnomAD v4.1: 23 of 1,549,828 alleles (0.0015%); highest among the groups gnomAD compares: Admixed American, 0.002%; no homozygotes.

Submission:

Ambry Genetics
Classification: Uncertain significance for Cardiovascular phenotype. Last evaluated: 2022-04-19. Review status: criteria provided, single submitter. Criteria: Ambry Variant Classification Scheme 2023. Collection method: clinical testing. Allele origin: germline.
Comment: The p.A2904E variant (also known as c.8711C>A), located in coding exon 2 of the ZNF469 gene, results from a C to A substitution at nucleotide position 8711. The alanine at codon 2904 is replaced by glutamic acid, an amino acid with dissimilar properties. This amino acid position is conserved. In addition, this alteration is predicted to be tolerated by in silico analysis. Since supporting evidence is limited at this time, the clinical significance of this alteration remains unclear.